The following is an entry in ClinVar:

NM_001290060.2(SEMA3B):c.1714C>G (p.Arg572Gly)

Gene: SEMA3B (semaphorin 3B; plus strand). Cytogenetic location: 3p21.31.
Variant type: single nucleotide variant.
Coding change: c.1714C>G on transcript NM_001290060.2 (MANE Select); coding-DNA position 1714, C replaced by G.
Protein change: p.Arg572Gly; replaces arginine 572 with glycine.
Molecular consequence: missense variant. On other transcripts: non-coding transcript variant (1).
Genome position (GRCh38, 1-based): chr3:50,275,713, C>G. VCF-style: chr3-50275713-C-G. GRCh37 (hg19) VCF-style: chr3-50313144-C-G.
Other names: c.1711C>G, p.Arg571Gly (NM_001005914.3, NM_001435957.1, NM_001435958.1); c.1729C>G, p.Arg577Gly (NM_001290061.1); c.685C>G, p.Arg229Gly (NM_001290062.2, NM_001290063.2); c.1714C>G, p.Arg572Gly (NM_001435956.1, NM_004636.4); short protein forms R572G, R577G, R229G, R571G.
Identifiers: ClinVar variation 4983827 (VCV004983827.1).

ClinVar aggregate classification (germline): Uncertain significance (1 of 4 stars; one submission).

Conditions:
SEMA3B-related disorder. Also called: SEMA3B-related condition.

gnomAD v4.1: 1 of 1,612,446 alleles (0.000062%); highest among the groups gnomAD compares: Non-Finnish European, 0.000085%; no homozygotes.

Submission:

PreventionGenetics, part of Exact Sciences
Classification: Uncertain significance for SEMA3B-related condition. Last evaluated: 2025-07-07. Review status: criteria provided, single submitter. Criteria: ACMG Guidelines, 2015. Collection method: clinical testing. Allele origin: germline.
Comment: The SEMA3B c.1729C>G variant is predicted to result in the amino acid substitution p.Arg577Gly. To our knowledge, this variant has not been reported in the literature or in a large population database (gnomAD), indicating this variant is rare. At this time, the clinical significance of this variant is uncertain due to the absence of conclusive functional and genetic evidence.